The following is an entry in ClinVar:

ClinVar aggregate classification (germline): Conflicting classifications of pathogenicity. Review status: criteria provided, conflicting classifications (1 of 4 stars). 2 submissions from 2 submitters: Uncertain significance (1); Likely benign (1). Last evaluated 2022-09-13.

Conditions:
History of neurodevelopmental disorder. Identifiers: MedGen C2711754.

Allele frequency attached by ClinVar (database versions not stated): gnomAD exomes below 0.00001; ExAC 0.00001.
gnomAD v4.1: 3 of 1,575,588 alleles (0.00019%); highest among the groups gnomAD compares: South Asian, 0.0012%; no homozygotes.

Submissions (2):

Labcorp Genetics (formerly Invitae), Labcorp
Classification: Likely benign. Last evaluated: 2022-09-13. Review status: criteria provided, single submitter. Criteria: Invitae Variant Classification Sherloc (09022015). Collection method: clinical testing. Allele origin: germline.

Ambry Genetics
Classification: Uncertain significance for History of neurodevelopmental disorder. Last evaluated: 2017-05-17. Review status: criteria provided, single submitter. Criteria: Ambry Autosomal Dominant and X-Linked criteria (3/2017). Collection method: clinical testing. Allele origin: germline. Observed: 1 variant allele.
Comment: The c.3353-4A>G intronic variant results from an A to G substitution 4 nucleotides upstream from coding exon 16 in the KAT6A gene. This nucleotide position is not well conserved in available vertebrate species. Using the BDGP and ESEfinder splice site prediction tools, this alteration is not predicted to have any significant effect on this splice acceptor site; however, direct evidence is unavailable. Since supporting evidence is limited at this time, the clinical significance of this alteration remains unclear.

NM_006766.5(KAT6A):c.3353-4A>G

Gene: KAT6A (lysine acetyltransferase 6A; minus strand). Cytogenetic location: 8p11.21.
Variant type: single nucleotide variant.
Coding change: c.3353-4A>G on transcript NM_006766.5 (MANE Select); 4 bases into the intron before coding-DNA position 3353, A replaced by G.
Molecular consequence: intron variant.
Genome position (GRCh38, 1-based): chr8:41,934,871, T>C on the plus strand (A>G on the coding strand, the complement: KAT6A is on the minus strand). VCF-style: chr8-41934871-T-C. GRCh37 (hg19) VCF-style: chr8-41792389-T-C.
Identifiers: ClinVar variation 588978 (VCV000588978.11), dbSNP rs762302738, ClinGen allele CA4729687.